The following is an entry in ClinVar:

NM_000127.3(EXT1):c.934_936del (p.Cys312del)

Gene: EXT1 (exostosin glycosyltransferase 1; minus strand). Cytogenetic location: 8q24.11.
Variant type: Deletion.
Coding change: c.934_936del on transcript NM_000127.3 (MANE Select); coding-DNA positions 934 to 936, 3 bases deleted (TGT; older notation c.934_936delTGT).
Protein change: p.Cys312del; deletes cysteine 312.
Molecular consequence: inframe deletion.
Genome position (GRCh38, 1-based): chr8:118,110,111-118,110,113, ACA deleted on the plus strand (TGT on the coding strand, the reverse complement: EXT1 is on the minus strand). VCF-style (leftmost placement, unchanged base first): chr8-118110110-CACA-C. GRCh37 (hg19) VCF-style: chr8-119122349-CACA-C.
Other names: short protein forms C312del.
Identifiers: ClinVar variation 863881 (VCV000863881.8), dbSNP rs1817867722, ClinGen allele CA916081524.

ClinVar aggregate classification (germline): Uncertain significance (1 of 4 stars; one submission).

Conditions:
Multiple congenital exostosis (EXT). Also called: MULTIPLE CARTILAGINOUS EXOSTOSES; Hereditary multiple osteochondromas; Multiple osteochondromas; Multiple exostoses; Hereditary multiple exostoses; Hereditary multiple exostosis. Identifiers: Orphanet 321, MedGen C0015306, MONDO:0005508, HP:0002762.

Submission:

Labcorp Genetics (formerly Invitae), Labcorp
Classification: Uncertain significance for Multiple congenital exostosis. Last evaluated: 2019-04-08. Review status: criteria provided, single submitter. Criteria: Invitae Variant Classification Sherloc (09022015). Collection method: clinical testing. Allele origin: germline.
Comment: This variant is not present in population databases (ExAC no frequency). This variant, c.934_936del, results in the deletion of 1 amino acid(s) of the EXT1 protein (p.Cys312del), but otherwise preserves the integrity of the reading frame. This variant has not been reported in the literature in individuals with EXT1-related conditions. Experimental studies and prediction algorithms are not available for this variant, and the functional significance of the affected amino acid(s) is currently unknown. In summary, the available evidence is currently insufficient to determine the role of this variant in disease. Therefore, it has been classified as a Variant of Uncertain Significance.